The following is an entry in ClinVar:

ClinVar aggregate classification (germline): Uncertain significance. Review status: criteria provided, multiple submitters, no conflicts (2 of 4 stars). 2 submissions from 2 submitters: Uncertain significance (2). Last evaluated 2022-11-08.

Allele frequency attached by ClinVar (database versions not stated): ExAC 0.00003; gnomAD 0.00003; TOPMed 0.00005; ESP Exome Variant Server 0.00015.
gnomAD v4.1: 110 of 1,613,710 alleles (0.0068%); highest among the groups gnomAD compares: African/African-American, 0.008%; no homozygotes.

Submissions (2):

Blueprint Genetics
Classification: Uncertain significance. Last evaluated: 2022-11-08. Review status: criteria provided, single submitter. Criteria: ACMG Guidelines, 2015. Collection method: clinical testing. Allele origin: germline.

Labcorp Genetics (formerly Invitae), Labcorp
Classification: Uncertain significance. Last evaluated: 2022-05-19. Review status: criteria provided, single submitter. Criteria: Invitae Variant Classification Sherloc (09022015). Collection method: clinical testing. Allele origin: germline.
Comment: This sequence change replaces glycine, which is neutral and non-polar, with serine, which is neutral and polar, at codon 97 of the NPHS2 protein (p.Gly97Ser). This variant is present in population databases (rs200913299, gnomAD 0.007%). This missense change has been observed in individual(s) with clinical features of NPHS2-related conditions (PMID: 22578956). Advanced modeling of protein sequence and biophysical properties (such as structural, functional, and spatial information, amino acid conservation, physicochemical variation, residue mobility, and thermodynamic stability) performed at Invitae indicates that this missense variant is not expected to disrupt NPHS2 protein function. Algorithms developed to predict the effect of sequence changes on RNA splicing suggest that this variant may create or strengthen a splice site. In summary, the available evidence is currently insufficient to determine the role of this variant in disease. Therefore, it has been classified as a Variant of Uncertain Significance.

Literature cited by the submitters: PubMed 22578956 (cited by Labcorp Genetics (formerly Invitae), Labcorp).

NM_014625.4(NPHS2):c.289G>A (p.Gly97Ser)

Gene: NPHS2 (NPHS2 stomatin family member, podocin; minus strand). Cytogenetic location: 1q25.2.
Variant type: single nucleotide variant.
Coding change: c.289G>A on transcript NM_014625.4 (MANE Select); coding-DNA position 289, G replaced by A.
Protein change: p.Gly97Ser; replaces glycine 97 with serine.
Molecular consequence: missense variant.
Genome position (GRCh38, 1-based): chr1:179,564,779, C>T on the plus strand (G>A on the coding strand, the complement: NPHS2 is on the minus strand). VCF-style: chr1-179564779-C-T. GRCh37 (hg19) VCF-style: chr1-179533914-C-T.
Other names: c.289G>A, p.Gly97Ser (NM_001297575.2); short protein forms G97S.
Identifiers: ClinVar variation 2142557 (VCV002142557.2), dbSNP rs200913299, ClinGen allele CA1267263.